The following is an entry in ClinVar:

NM_003119.4(SPG7):c.266_269del (p.Val89fs)

Gene: SPG7 (SPG7 matrix AAA peptidase subunit, paraplegin; plus strand). Cytogenetic location: 16q24.3.
Variant type: Deletion.
Coding change: c.266_269del on transcript NM_003119.4 (MANE Select); coding-DNA positions 266 to 269, 4 bases deleted (TCAG; older notation c.266_269delTCAG).
Protein change: p.Val89fs; shifts the reading frame from valine 89.
Molecular consequence: frameshift variant.
Genome position (GRCh38, 1-based): chr16:89,510,572-89,510,575, TCAG deleted; deleting any 4 consecutive bases within chr16:89,510,569-89,510,575 gives the same sequence; the c. name uses the placement nearest the transcript's 3' end. VCF-style (leftmost placement, unchanged base first): chr16-89510568-CCAGT-C. GRCh37 (hg19) VCF-style: chr16-89576976-CCAGT-C.
Other names: c.266_269del, p.Val89fs (NM_001363850.1, NM_199367.3); short protein forms V89fs.
Identifiers: ClinVar variation 3345294 (VCV003345294.1).

ClinVar aggregate classification (germline): Likely pathogenic (0 of 4 stars; one submission).

Conditions:
SPG7-related disorder. Also called: SPG7-related condition.

Submission:

PreventionGenetics, part of Exact Sciences
Classification: Likely pathogenic for SPG7-related condition. Last evaluated: 2024-05-31. Review status: no assertion criteria provided. Collection method: clinical testing. Allele origin: germline.
Comment: The SPG7 c.266_269delTCAG variant is predicted to result in a frameshift and premature protein termination (p.Val89Aspfs*6). To our knowledge, this variant has not been reported in the literature or in a large population database, indicating this variant is rare. Frameshift variants in SPG7 are expected to be pathogenic for autosomal recessive spastic paraplegia. This variant is interpreted as likely pathogenic.